The following is an entry in ClinVar:

ClinVar aggregate classification (germline): Uncertain significance. Review status: criteria provided, multiple submitters, no conflicts (2 of 4 stars). 6 submissions from 6 submitters: Uncertain significance (5). 1 of the submissions does not count toward it. Last evaluated 2026-09-01.

Conditions:
Inborn genetic diseases. Identifiers: MedGen C0950123, MeSH D030342.
DMXL2-related disorder. Also called: DMXL2-related condition.

Allele frequency attached by ClinVar (database versions not stated): gnomAD 0.00001; ExAC 0.00002; TOPMed 0.00002; ESP Exome Variant Server 0.00008.
gnomAD v4.1: 45 of 1,597,610 alleles (0.0028%); highest among the groups gnomAD compares: African/African-American, 0.019%; no homozygotes.

Submissions (6):

CeGaT Center for Human Genetics Tuebingen
Classification: Uncertain significance. Last evaluated: 2026-09-01. Review status: criteria provided, single submitter. Criteria: CeGaT Center For Human Genetics Tuebingen Variant Classification Criteria Version 2. Collection method: clinical testing. Allele origin: germline. Affected: yes. Observed: 2 variant alleles.
Comment: DMXL2: PM2:Supporting

Ambry Genetics
Classification: Uncertain significance for Inborn genetic diseases. Last evaluated: 2025-06-10. Review status: criteria provided, single submitter. Criteria: Ambry Variant Classification Scheme 2023. Collection method: clinical testing. Allele origin: germline.

Labcorp Genetics (formerly Invitae), Labcorp
Classification: Uncertain significance. Last evaluated: 2024-11-18. Review status: criteria provided, single submitter. Criteria: Invitae Variant Classification Sherloc (09022015). Collection method: clinical testing. Allele origin: germline.
Comment: This sequence change replaces arginine, which is basic and polar, with glutamine, which is neutral and polar, at codon 545 of the DMXL2 protein (p.Arg545Gln). This variant is present in population databases (rs144335202, gnomAD 0.003%). This variant has not been reported in the literature in individuals affected with DMXL2-related conditions. ClinVar contains an entry for this variant (Variation ID: 2170132). An algorithm developed to predict the effect of missense changes on protein structure and function outputs the following: PolyPhen-2: "Benign". The glutamine amino acid residue is found in multiple mammalian species, which suggests that this missense change does not adversely affect protein function. Algorithms developed to predict the effect of sequence changes on RNA splicing suggest that this variant may disrupt the consensus splice site. In summary, the available evidence is currently insufficient to determine the role of this variant in disease. Therefore, it has been classified as a Variant of Uncertain Significance.

Blueprint Genetics
Classification: Uncertain significance. Last evaluated: 2024-09-23. Review status: criteria provided, single submitter. Criteria: ACMG Guidelines, 2015. Collection method: clinical testing. Allele origin: germline.

Clinical Genetics Laboratory, Skane University Hospital Lund
Classification: Uncertain significance. Last evaluated: 2022-06-16. Review status: criteria provided, single submitter. Criteria: ACMG Guidelines, 2015. Collection method: clinical testing. Allele origin: germline. Affected: yes.

PreventionGenetics, part of Exact Sciences
Classification: Uncertain significance for DMXL2-related condition. Last evaluated: 2024-02-09. Review status: no assertion criteria provided. Collection method: clinical testing. Allele origin: germline. Not counted in ClinVar's aggregate classification.
Comment: The DMXL2 c.1634G>A variant is predicted to result in the amino acid substitution p.Arg545Gln. To our knowledge, this variant has not been reported in the literature. This variant is reported in 0.0033% of alleles in individuals of Latino descent in gnomAD. At this time, the clinical significance of this variant is uncertain due to the absence of conclusive functional and genetic evidence.

NM_001378457.1(DMXL2):c.1634G>A (p.Arg545Gln)

Gene: DMXL2 (Dmx like 2; minus strand). Cytogenetic location: 15q21.2.
Variant type: single nucleotide variant.
Coding change: c.1634G>A on transcript NM_001378457.1 (MANE Select); coding-DNA position 1634, G replaced by A.
Protein change: p.Arg545Gln; replaces arginine 545 with glutamine.
Molecular consequence: missense variant. On other transcripts: non-coding transcript variant (2).
Genome position (GRCh38, 1-based): chr15:51,536,846, C>T on the plus strand (G>A on the coding strand, the complement: DMXL2 is on the minus strand). VCF-style: chr15-51536846-C-T. GRCh37 (hg19) VCF-style: chr15-51829043-C-T.
Other names: c.1634G>A, p.Arg545Gln (NM_001174116.3, NM_001174117.3, NM_001378458.1 and 6 more transcripts); c.1394G>A, p.Arg465Gln (NM_001378464.1); c.1634G>A (NM_001174116.1); short protein forms R465Q, R545Q.
Identifiers: ClinVar variation 2170132 (VCV002170132.15), dbSNP rs144335202, ClinGen allele CA7562537.